The following is an entry in ClinVar:

ClinVar aggregate classification (germline): Uncertain significance (1 of 4 stars; one submission).

Allele frequency attached by ClinVar (database versions not stated): gnomAD 0.00001; TOPMed 0.00001.
gnomAD v4.1: 1 of 1,614,048 alleles (0.000062%); highest among the groups gnomAD compares: African/African-American, 0.0013%; no homozygotes.

Submission:

GeneDx
Classification: Uncertain significance. Last evaluated: 2022-07-15. Review status: criteria provided, single submitter. Criteria: GeneDx Variant Classification Process June 2021. Collection method: clinical testing. Allele origin: germline. Affected: yes.
Comment: Not observed at significant frequency in large population cohorts (gnomAD); In silico analysis supports that this missense variant has a deleterious effect on protein structure/function; Has not been previously published as pathogenic or benign to our knowledge

NM_170606.3(KMT2C):c.7250C>T (p.Pro2417Leu)

Gene: KMT2C (lysine methyltransferase 2C; minus strand). Cytogenetic location: 7q36.1.
Variant type: single nucleotide variant.
Coding change: c.7250C>T on transcript NM_170606.3 (MANE Select); coding-DNA position 7250, C replaced by T.
Protein change: p.Pro2417Leu; replaces proline 2417 with leucine.
Molecular consequence: missense variant.
Genome position (GRCh38, 1-based): chr7:152,180,026, G>A on the plus strand (C>T on the coding strand, the complement: KMT2C is on the minus strand). VCF-style: chr7-152180026-G-A. GRCh37 (hg19) VCF-style: chr7-151877111-G-A.
Other names: short protein forms P2417L.
Identifiers: ClinVar variation 1878679 (VCV001878679.1), dbSNP rs2093377986, ClinGen allele CA370089060.
Genomic context (GRCh38, chr7:152,180,026, plus strand): 5'-GGTGGGGGTCTGGTGAAAGCCTGGTTAACATTCTCTGGTTGCCAGTGTTGAAGAGGCCCT[G>A]GATGAGGCACTGCGGGTGAGTCCTGTGACCCCTTCTCCTGTCGACCTGCAATCTTCTTCT-3'
Protein context (NP_733751.2, residues 2407-2427): GSQDSPAVPH[Pro2417Leu]GPLQHWQPEN